The following is an entry in ClinVar:

NM_170707.4(LMNA):c.992G>C (p.Arg331Pro)

Gene: LMNA (lamin A/C; plus strand). Cytogenetic location: 1q22.
Variant type: single nucleotide variant.
Coding change: c.992G>C on transcript NM_170707.4 (MANE Select); coding-DNA position 992, G replaced by C.
Protein change: p.Arg331Pro; replaces arginine 331 with proline.
Molecular consequence: missense variant.
Genome position (GRCh38, 1-based): chr1:156,135,956, G>C. VCF-style: chr1-156135956-G-C. GRCh37 (hg19) VCF-style: chr1-156105747-G-C.
Other names: c.656G>C, p.Arg219Pro (NM_001257374.3); c.749G>C, p.Arg250Pro (NM_001282624.2); c.992G>C, p.Arg331Pro (NM_001282625.2, NM_001282626.2, NM_005572.4 and 1 more transcripts); short protein forms R331P, R219P, R250P.
Identifiers: ClinVar variation 66963 (VCV000066963.26), dbSNP rs59301204, ClinGen allele CA018942.

ClinVar aggregate classification (germline): Likely pathogenic. Review status: criteria provided, multiple submitters, no conflicts (2 of 4 stars). 3 submissions from 3 submitters: Likely pathogenic (2). 1 of the submissions does not count toward it. Last evaluated 2024-04-01.

Conditions:
Charcot-Marie-Tooth disease type 2. Also called: Charcot-Marie-Tooth type 2. Identifiers: Orphanet 64746, MedGen C0270914, MONDO:0018993.

Submissions (3):

CeGaT Center for Human Genetics Tuebingen
Classification: Likely pathogenic. Last evaluated: 2024-04-01. Review status: criteria provided, single submitter. Criteria: CeGaT Center For Human Genetics Tuebingen Variant Classification Criteria Version 2. Collection method: clinical testing. Allele origin: germline. Affected: yes. Observed: 2 variant alleles.
Comment: LMNA: PM1, PM2, PM5, PS3:Supporting, PS4:Supporting

Labcorp Genetics (formerly Invitae), Labcorp
Classification: Likely pathogenic for Charcot-Marie-Tooth disease type 2. Last evaluated: 2023-07-14. Review status: criteria provided, single submitter. Criteria: Invitae Variant Classification Sherloc (09022015). Collection method: clinical testing. Allele origin: germline.
Comment: This sequence change replaces arginine, which is basic and polar, with proline, which is neutral and non-polar, at codon 331 of the LMNA protein (p.Arg331Pro). In summary, the currently available evidence indicates that the variant is pathogenic, but additional data are needed to prove that conclusively. Therefore, this variant has been classified as Likely Pathogenic. This variant disrupts the p.Arg331 amino acid residue in LMNA. Other variant(s) that disrupt this residue have been determined to be pathogenic (PMID: 19875404, 23349452, 27532257, 28790152, 29382405). This suggests that this residue is clinically significant, and that variants that disrupt this residue are likely to be disease-causing. Experimental studies have shown that this missense change affects LMNA function (PMID: 34862408). Advanced modeling of protein sequence and biophysical properties (such as structural, functional, and spatial information, amino acid conservation, physicochemical variation, residue mobility, and thermodynamic stability) performed at Invitae indicates that this missense variant is expected to disrupt LMNA protein function. ClinVar contains an entry for this variant (Variation ID: 66963). This missense change has been observed in individual(s) with autosomal dominant limb-girdle muscular dystrophy (PMID: 17377071). This variant is not present in population databases (gnomAD no frequency).

Epithelial Biology;  Institute of Medical Biology, Singapore
No classification provided. Review status: no classification provided. Collection method: not provided. Allele origin: not provided. Not counted in ClinVar's aggregate classification.

Literature cited by the submitters: PubMed 19875404 (cited by Labcorp Genetics (formerly Invitae), Labcorp); PubMed 23349452 (cited by Labcorp Genetics (formerly Invitae), Labcorp); PubMed 27532257 (cited by Labcorp Genetics (formerly Invitae), Labcorp); PubMed 28790152 (cited by Labcorp Genetics (formerly Invitae), Labcorp); PubMed 29382405 (cited by Labcorp Genetics (formerly Invitae), Labcorp); PubMed 34862408 (cited by Labcorp Genetics (formerly Invitae), Labcorp); PubMed 17377071 (cited by Labcorp Genetics (formerly Invitae), Labcorp).